The following is an entry in ClinVar:

NM_003640.5(ELP1):c.1190-1G>C

Gene: ELP1 (elongator acetyltransferase complex subunit 1; minus strand). Cytogenetic location: 9q31.3.
Variant type: single nucleotide variant.
Coding change: c.1190-1G>C on transcript NM_003640.5 (MANE Select); the canonical splice acceptor site of the intron before coding-DNA position 1190, G replaced by C.
Molecular consequence: splice acceptor variant.
Genome position (GRCh38, 1-based): chr9:108,911,181, C>G on the plus strand (G>C on the coding strand, the complement: ELP1 is on the minus strand). VCF-style: chr9-108911181-C-G. GRCh37 (hg19) VCF-style: chr9-111673461-C-G.
Other names: c.848-1G>C (NM_001318360.2); c.143-1G>C (NM_001330749.2).
Identifiers: ClinVar variation 1517458 (VCV001517458.8), dbSNP rs2132014128, ClinGen allele CA374429218.

ClinVar aggregate classification (germline): Likely pathogenic (1 of 4 stars; one submission).

Submission:

Labcorp Genetics (formerly Invitae), Labcorp
Classification: Likely pathogenic. Last evaluated: 2020-12-16. Review status: criteria provided, single submitter. Criteria: Invitae Variant Classification Sherloc (09022015). Collection method: clinical testing. Allele origin: germline.
Comment: This sequence change affects an acceptor splice site in intron 11 of the ELP1 gene. It is expected to disrupt RNA splicing. Variants that disrupt the donor or acceptor splice site typically lead to a loss of protein function (PMID: 16199547), and loss-of-function variants in ELP1 are known to be pathogenic (PMID: 18303054, 24173031). This variant is not present in population databases (ExAC no frequency). This variant has not been reported in the literature in individuals with ELP1-related conditions. Algorithms developed to predict the effect of sequence changes on RNA splicing suggest that this variant may disrupt the consensus splice site, but this prediction has not been confirmed by published transcriptional studies. In summary, the currently available evidence indicates that the variant is pathogenic, but additional data are needed to prove that conclusively. Therefore, this variant has been classified as Likely Pathogenic.

Literature cited by the submitters: PubMed 16199547; PubMed 18303054; PubMed 24173031.